The following is an entry in ClinVar:

NM_000138.5(FBN1):c.3119C>A (p.Thr1040Asn)

Gene: FBN1 (fibrillin 1; minus strand). Cytogenetic location: 15q21.1.
Variant type: single nucleotide variant.
Coding change: c.3119C>A on transcript NM_000138.5 (MANE Select); coding-DNA position 3119, C replaced by A.
Protein change: p.Thr1040Asn; replaces threonine 1040 with asparagine.
Molecular consequence: missense variant.
Genome position (GRCh38, 1-based): chr15:48,488,457, G>T on the plus strand (C>A on the coding strand, the complement: FBN1 is on the minus strand). VCF-style: chr15-48488457-G-T. GRCh37 (hg19) VCF-style: chr15-48780654-G-T.
Other names: short protein forms T1040N.
Identifiers: ClinVar variation 924460 (VCV000924460.5), dbSNP rs2043529012, ClinGen allele CA392328163.

ClinVar aggregate classification (germline): Uncertain significance (1 of 4 stars; one submission).

Conditions:
Familial thoracic aortic aneurysm and aortic dissection (TAAD). Also called: Thoracic aortic aneurysms and dissections. Identifiers: Orphanet 91387, MedGen C4707243, MONDO:0019625.

Submission:

Color Diagnostics, LLC DBA Color Health
Classification: Uncertain significance for Familial thoracic aortic aneurysm and aortic dissection. Last evaluated: 2023-12-04. Review status: criteria provided, single submitter. Criteria: ACMG Guidelines, 2015. Collection method: clinical testing. Allele origin: germline.
Comment: Variant of Uncertain Significance due to insufficient evidence: This missense variant is located in the calcium-binding EGF-like motif 15 of the FBN1 protein. Computational prediction tools and conservation analyses are inconclusive regarding the impact of this variant on the protein function. Computational splicing tools suggest that this variant may not impact RNA splicing. To our knowledge, functional assays have not been performed for this variant nor has this variant been reported in individuals affected with cardiovascular disorders in the literature. This variant is rare in the general population and has been identified in 0/277264 chromosomes by the Genome Aggregation Database (gnomAD). Available evidence is insufficient to determine the pathogenicity of this variant conclusively.